The following is an entry in ClinVar:

NM_002386.4(MC1R):c.833A>T (p.Lys278Met)

Gene: MC1R (melanocortin 1 receptor; plus strand). Cytogenetic location: 16q24.3.
Variant type: single nucleotide variant.
Coding change: c.833A>T on transcript NM_002386.4 (MANE Select); coding-DNA position 833, A replaced by T.
Protein change: p.Lys278Met; replaces lysine 278 with methionine.
Molecular consequence: missense variant.
Genome position (GRCh38, 1-based): chr16:89,920,091, A>T. VCF-style: chr16-89920091-A-T. GRCh37 (hg19) VCF-style: chr16-89986499-A-T.
Other names: short protein forms K278M.
Identifiers: ClinVar variation 4052389 (VCV004052389.1).
Genomic context (GRCh38, chr16:89,920,091, plus strand): 5'-TCCTGCATCTCACACTCATCGTCCTCTGCCCCGAGCACCCCACGTGCGGCTGCATCTTCA[A>T]GAACTTCAACCTCTTTCTCGCCCTCATCATCTGCAATGCCATCATCGACCCCCTCATCTA-3'
Protein context (NP_002377.4, residues 268-288): PEHPTCGCIF[Lys278Met]NFNLFLALII

ClinVar aggregate classification (germline): Uncertain significance (1 of 4 stars; one submission).

Submission:

Ambry Genetics
Classification: Uncertain significance. Last evaluated: 2025-03-17. Review status: criteria provided, single submitter. Criteria: Ambry Variant Classification Scheme 2023. Collection method: clinical testing. Allele origin: germline.
Comment: The p.K278M variant (also known as c.833A>T), located in coding exon 1 of the MC1R gene, results from an A to T substitution at nucleotide position 833. The lysine at codon 278 is replaced by methionine, an amino acid with similar properties. This amino acid position is conserved. In addition, this alteration is predicted to be tolerated by in silico analysis. Based on the available evidence, the clinical significance of this variant remains unclear.